The following is an entry in ClinVar:

ClinVar aggregate classification (germline): Uncertain significance (1 of 4 stars; one submission).

Conditions:
Transcobalamin II deficiency (TCN2D). Also called: Transcolabamin II deficiency; TC II DEFICIENCY; TCN2 DEFICIENCY. Identifiers: Orphanet 859, MedGen C0342701, MONDO:0010149, OMIM 275350.

Submission:

Labcorp Genetics (formerly Invitae), Labcorp
Classification: Uncertain significance for Transcobalamin II deficiency. Last evaluated: 2019-06-15. Review status: criteria provided, single submitter. Criteria: Invitae Variant Classification Sherloc (09022015). Collection method: clinical testing. Allele origin: germline.
Comment: In summary, the available evidence is currently insufficient to determine the role of this variant in disease. Therefore, it has been classified as a Variant of Uncertain Significance. Experimental studies and prediction algorithms are not available or were not evaluated for this variant, and the functional significance of the affected amino acid(s) is currently unknown. This variant has not been reported in the literature in individuals with TCN2-related conditions. This variant is not present in population databases (ExAC no frequency). This variant, c.1124_1126del, results in the deletion of 1 amino acid(s) of the TCN2 protein (p.Ser375del), but otherwise preserves the integrity of the reading frame.

NM_000355.4(TCN2):c.1121CCT[1] (p.Ser375del)

Gene: TCN2 (transcobalamin 2; plus strand). Cytogenetic location: 22q12.2.
Variant type: Microsatellite.
Coding change: c.1121CCT[1] on transcript NM_000355.4 (MANE Select); one copy of the 3-base unit CCT starting at c.1121; the reference has two copies in a row; one copy, 3 bases deleted.
Protein change: p.Ser375del; deletes serine 375.
Molecular consequence: inframe deletion.
Genome position (GRCh38, 1-based): chr22:30,622,985-30,622,987, CCT deleted; deleting any 3 consecutive bases within chr22:30,622,982-30,622,987 gives the same sequence; the position shown is the placement nearest the transcript's 3' end. VCF-style (leftmost placement, unchanged base first): chr22-30622981-GCCT-G. GRCh37 (hg19) VCF-style: chr22-31018968-GCCT-G.
Other names: c.1040CCT[1], p.Ser348del (NM_001184726.2); short protein forms S348del, S375del.
Identifiers: ClinVar variation 948355 (VCV000948355.9), dbSNP rs2087720255, ClinGen allele CA2401116237.
Genomic context (GRCh38, chr22:30,622,981, plus strand): 5'-GGACAACAGCCACCTCTTCTCTCCCCATTTGCCTTTCCCTTCTGTAGATATGAAACACAG[GCCT>G]CCTTGTCAGGCCCCTACTTAACCTCCGTGATGGGGAAAGCGGCCGGAGAAAGGGAGTTCT-3'